The following is an entry in ClinVar:

ClinVar aggregate classification (germline): Conflicting classifications of pathogenicity. Review status: criteria provided, conflicting classifications (1 of 4 stars). 5 submissions from 5 submitters: Uncertain significance (3); Likely benign (2). Last evaluated 2026-05-06.

Conditions:
C3-related disorder. Also called: C3-related condition.
Atypical hemolytic-uremic syndrome with C3 anomaly. Also called: AHUS, SUSCEPTIBILITY TO, 5. Identifiers: Orphanet 2134, MedGen C2752037, MONDO:0013043, OMIM 612925.
Age related macular degeneration 9. Identifiers: MedGen C1969651, MONDO:0012659, OMIM 611378.
Complement component 3 deficiency. Identifiers: Orphanet 280133, MedGen C3151071, MONDO:0013417, OMIM 613779.

Allele frequency attached by ClinVar (database versions not stated): gnomAD exomes 0.00002 and 0.00005; ExAC 0.00007; ESP Exome Variant Server 0.00008; gnomAD 0.00009.
gnomAD v4.1: 34 of 1,611,648 alleles (0.0021%); highest among the groups gnomAD compares: African/African-American, 0.025%; no homozygotes.

Submissions (5):

Women's Health and Genetics/Laboratory Corporation of America, LabCorp
Classification: Uncertain significance. Last evaluated: 2026-05-06. Review status: criteria provided, single submitter. Criteria: LabCorp Variant Classification Summary - May 2015. Collection method: clinical testing. Allele origin: germline.
Comment: Variant summary: C3 c.1686G>A (p.Ser562Ser) alters a conserved nucleotide located close to a canonical splice site and therefore could affect mRNA splicing, leading to a significantly altered protein sequence. Several computational tools predict a significant impact on normal splicing: Three predict the variant weakens a 5' donor site. However, these predictions have yet to be confirmed by functional studies. The variant allele was found at a frequency of 4.8e-05 in 247674 control chromosomes. This frequency is not significantly higher than estimated for disease-causing variants in C3, allowing no conclusion about variant significance. To our knowledge, no occurrence of c.1686G>A in individuals affected with C3-related conditions and no experimental evidence demonstrating its impact on protein function have been reported. ClinVar contains an entry for this variant (Variation ID: 1430457). Based on the evidence outlined above, the variant was classified as uncertain significance.

PreventionGenetics, part of Exact Sciences
Classification: Likely benign for C3-related condition. Last evaluated: 2026-02-03. Review status: criteria provided, single submitter. Criteria: ACMG Guidelines, 2015. Collection method: clinical testing. Allele origin: germline.
Comment: This variant is classified as likely benign based on ACMG/AMP sequence variant interpretation guidelines (Richards et al. 2015 PMID: 25741868, with internal and published modifications).

Mayo Clinic Laboratories, Mayo Clinic
Classification: Likely benign. Last evaluated: 2025-12-05. Review status: criteria provided, single submitter. Criteria: ACMG Guidelines, 2015. Collection method: clinical testing. Allele origin: germline. Observed: 3 variant alleles.
Comment: BP4, BP7

Labcorp Genetics (formerly Invitae), Labcorp
Classification: Uncertain significance. Last evaluated: 2025-01-13. Review status: criteria provided, single submitter. Criteria: Invitae Variant Classification Sherloc (09022015). Collection method: clinical testing. Allele origin: germline.
Comment: This sequence change affects codon 562 of the C3 mRNA. It is a 'silent' change, meaning that it does not change the encoded amino acid sequence of the C3 protein. This variant also falls at the last nucleotide of exon 13, which is part of the consensus splice site for this exon. This variant is present in population databases (rs143750180, gnomAD 0.03%). This variant has not been reported in the literature in individuals affected with C3-related conditions. ClinVar contains an entry for this variant (Variation ID: 1430457). Variants that disrupt the consensus splice site are a relatively common cause of aberrant splicing (PMID: 17576681, 9536098). Algorithms developed to predict the effect of sequence changes on RNA splicing suggest that this variant is not likely to affect RNA splicing. In summary, the available evidence is currently insufficient to determine the role of this variant in disease. Therefore, it has been classified as a Variant of Uncertain Significance.

Fulgent Genetics
Classification: Uncertain significance for Age related macular degeneration 9; Atypical hemolytic-uremic syndrome with C3 anomaly; Complement component 3 deficiency. Last evaluated: 2021-12-25. Review status: criteria provided, single submitter. Criteria: ACMG Guidelines, 2015. Collection method: clinical testing. Allele origin: unknown.

Literature cited by the submitters: PubMed 17576681 (cited by Labcorp Genetics (formerly Invitae), Labcorp); PubMed 9536098 (cited by Labcorp Genetics (formerly Invitae), Labcorp).

NM_000064.4(C3):c.1686G>A (p.Ser562=)

Gene: C3 (complement C3; minus strand). Cytogenetic location: 19p13.3.
Variant type: single nucleotide variant.
Coding change: c.1686G>A on transcript NM_000064.4 (MANE Select); coding-DNA position 1686, G replaced by A.
Protein change: p.Ser562=; no amino-acid change (serine 562 retained).
Molecular consequence: synonymous variant.
Genome position (GRCh38, 1-based): chr19:6,710,639, C>T on the plus strand (G>A on the coding strand, the complement: C3 is on the minus strand). VCF-style: chr19-6710639-C-T. GRCh37 (hg19) VCF-style: chr19-6710650-C-T.
Other names: p.Ser562=; c.1686G>A (NM_000064.3).
Identifiers: ClinVar variation 1430457 (VCV001430457.10), dbSNP rs143750180, ClinGen allele CA9129382.